The following is an entry in ClinVar:

NM_015557.3(CHD5):c.2129G>A (p.Trp710Ter)

Gene: CHD5 (chromodomain helicase DNA binding protein 5; minus strand). Cytogenetic location: 1p36.31.
Variant type: single nucleotide variant.
Coding change: c.2129G>A on transcript NM_015557.3 (MANE Select); coding-DNA position 2129, G replaced by A.
Protein change: p.Trp710Ter; replaces tryptophan 710 with a stop codon.
Molecular consequence: nonsense.
Genome position (GRCh38, 1-based): chr1:6,142,520, C>T on the plus strand (G>A on the coding strand, the complement: CHD5 is on the minus strand). VCF-style: chr1-6142520-C-T. GRCh37 (hg19) VCF-style: chr1-6202580-C-T.
Other names: short protein forms W710*.
Identifiers: ClinVar variation 4536260 (VCV004536260.1).
Genomic context (GRCh38, chr1:6,142,520, plus strand): 5'-CCCAGACCCATCTCATCGGCCAGGATGGTGTCAGTGCCCTGGGCCCAAGAGAAGCGCAGC[C>T]AGTTGAGGCCCTCCAGCTGGTACGGGTGCAGTGTGCCGCCTGTGGAGTCGATGTACCATG-3'

ClinVar aggregate classification (germline): Pathogenic (1 of 4 stars; one submission).

Submission:

GeneDx
Classification: Pathogenic. Last evaluated: 2025-06-02. Review status: criteria provided, single submitter. Criteria: GeneDx Variant Classification Process June 2021. Collection method: clinical testing. Allele origin: germline. Affected: yes.
Comment: Nonsense variant predicted to result in protein truncation or nonsense mediated decay in a gene for which loss of function is a known mechanism of disease; Not observed at significant frequency in large population cohorts (gnomAD); Has not been previously published as pathogenic or benign to our knowledge